The following is an entry in ClinVar:

ClinVar aggregate classification (germline): Pathogenic (1 of 4 stars; one submission).

Conditions:
Hereditary spastic paraplegia 15 (SPG15). Also called: SPASTIC PARAPLEGIA 15, AUTOSOMAL RECESSIVE; KJELLIN SYNDROME; SPASTIC PARAPLEGIA AND RETINAL DEGENERATION. Identifiers: Orphanet 100996, MedGen C1849128, MONDO:0010044, OMIM 270700.

Submission:

Myriad Genetics, Inc.
Classification: Pathogenic for Hereditary spastic paraplegia 15. Last evaluated: 2026-06-09. Review status: criteria provided, single submitter. Criteria: Myriad Autosomal Dominant, Autosomal Recessive and X-Linked Classification Criteria (2023). Collection method: clinical testing. Allele origin: unknown.
Comment: NM_015346.3(ZFYVE26):c.5374_5381dup8(Q1795Sfs*50) is expected to be pathogenic in the context of spastic paraplegia type 15. This variant is predicted to lead to an abnormal or absent protein product due to the creation of a premature termination codon in ZFYVE26, a gene where loss-of-function variants are known to be pathogenic. Please note: this variant was assessed in the context of healthy population screening.

NM_015346.4(ZFYVE26):c.5374_5381dup (p.Gln1795fs)

Gene: ZFYVE26 (zinc finger FYVE-type containing 26; minus strand). Cytogenetic location: 14q24.1.
Variant type: Duplication.
Coding change: c.5374_5381dup on transcript NM_015346.4 (MANE Select); coding-DNA positions 5374 to 5381, 8 bases duplicated (CAGCCCTC; older notation c.5374_5381dupCAGCCCTC).
Protein change: p.Gln1795fs; shifts the reading frame from glutamine 1795.
Molecular consequence: frameshift variant.
Genome position (GRCh38, 1-based): chr14:67,772,150-67,772,157, GAGGGCTG duplicated on the plus strand (CAGCCCTC on the coding strand, the reverse complement: ZFYVE26 is on the minus strand); duplicating any 8 consecutive bases within chr14:67,772,150-67,772,158 gives the same sequence; the c. name uses the placement nearest the transcript's 3' end. VCF-style (leftmost placement, unchanged base first): chr14-67772149-T-TGAGGGCTG. GRCh37 (hg19) VCF-style: chr14-68238866-T-TGAGGGCTG.
Other names: short protein forms Q1795fs.
Identifiers: ClinVar variation 5016017 (VCV005016017.1).